The following is an entry in ClinVar:

ClinVar aggregate classification (germline): Conflicting classifications of pathogenicity. Review status: criteria provided, conflicting classifications (1 of 4 stars). 2 submissions from 2 submitters: Uncertain significance (1); Benign (1). Last evaluated 2023-10-03.

Allele frequency attached by ClinVar (database versions not stated): gnomAD 0.00001; gnomAD exomes 0.00001; TOPMed 0.00002; ESP Exome Variant Server 0.00008.
gnomAD v4.1: 13 of 1,614,010 alleles (0.00081%); highest among the groups gnomAD compares: East Asian, 0.0022%; no homozygotes.

Submissions (2):

Labcorp Genetics (formerly Invitae), Labcorp
Classification: Benign. Last evaluated: 2023-10-03. Review status: criteria provided, single submitter. Criteria: Invitae Variant Classification Sherloc (09022015). Collection method: clinical testing. Allele origin: germline.

CeGaT Center for Human Genetics Tuebingen
Classification: Uncertain significance. Last evaluated: 2022-08-01. Review status: criteria provided, single submitter. Criteria: CeGaT Center For Human Genetics Tuebingen Variant Classification Criteria Version 2. Collection method: clinical testing. Allele origin: germline. Affected: yes. Observed: 1 variant allele.
Comment: KMT2C: PM2:Supporting

NM_170606.3(KMT2C):c.8879C>T (p.Pro2960Leu)

Gene: KMT2C (lysine methyltransferase 2C; minus strand). Cytogenetic location: 7q36.1.
Variant type: single nucleotide variant.
Coding change: c.8879C>T on transcript NM_170606.3 (MANE Select); coding-DNA position 8879, C replaced by T.
Protein change: p.Pro2960Leu; replaces proline 2960 with leucine.
Molecular consequence: missense variant.
Genome position (GRCh38, 1-based): chr7:152,176,574, G>A on the plus strand (C>T on the coding strand, the complement: KMT2C is on the minus strand). VCF-style: chr7-152176574-G-A. GRCh37 (hg19) VCF-style: chr7-151873659-G-A.
Other names: short protein forms P2960L.
Identifiers: ClinVar variation 2658206 (VCV002658206.27), dbSNP rs142287778, ClinGen allele CA169205026.
Genomic context (GRCh38, chr7:152,176,574, plus strand): 5'-TTTACCCTAGAGACTACTGTCACATTAGAATTCATGGCATTATCCAAAACACGGCCAGGC[G>A]GTGCTATGAAAGGAGGCAAACTTGACACATGATTGGATGGGGAGGCCGGCAGAGTTGGTG-3'
Protein context (NP_733751.2, residues 2950-2970): HVSSLPPFIA[Pro2960Leu]PGRVLDNAMN